The following is an entry in ClinVar:

ClinVar aggregate classification (germline): Uncertain significance (1 of 4 stars; one submission).

Conditions:
Hyperaldosteronism, familial, type IV (HALD4). Also called: FH IV; ALDOSTERONISM, PRIMARY, AND HYPERTENSION. Identifiers: Orphanet 642671, MedGen C4310756, MONDO:0014875, OMIM 617027.
Idiopathic generalized epilepsy. Also called: EIG; Generalised epilepsy. Identifiers: MedGen C0270850, MONDO:0005579, OMIM 600669.

Allele frequency attached by ClinVar (database versions not stated): gnomAD exomes 0.00001; gnomAD 0.00021; TOPMed 0.00026.

Submission:

Labcorp Genetics (formerly Invitae), Labcorp
Classification: Uncertain significance for Idiopathic generalized epilepsy; Hyperaldosteronism, familial, type IV. Last evaluated: 2024-09-30. Review status: criteria provided, single submitter. Criteria: Invitae Variant Classification Sherloc (09022015). Collection method: clinical testing. Allele origin: germline.
Comment: This sequence change replaces methionine, which is neutral and non-polar, with leucine, which is neutral and non-polar, at codon 155 of the CACNA1H protein (p.Met155Leu). This variant is not present in population databases (gnomAD no frequency). This variant has not been reported in the literature in individuals affected with CACNA1H-related conditions. ClinVar contains an entry for this variant (Variation ID: 460121). Invitae Evidence Modeling of protein sequence and biophysical properties (such as structural, functional, and spatial information, amino acid conservation, physicochemical variation, residue mobility, and thermodynamic stability) has been performed for this missense variant. However, the output from this modeling did not meet the statistical confidence thresholds required to predict the impact of this variant on CACNA1H protein function. In summary, the available evidence is currently insufficient to determine the role of this variant in disease. Therefore, it has been classified as a Variant of Uncertain Significance.

NM_021098.3(CACNA1H):c.463A>T (p.Met155Leu)

Gene: CACNA1H (calcium voltage-gated channel subunit alpha1 H; plus strand). Cytogenetic location: 16p13.3.
Variant type: single nucleotide variant.
Coding change: c.463A>T on transcript NM_021098.3 (MANE Select); coding-DNA position 463, A replaced by T.
Protein change: p.Met155Leu; replaces methionine 155 with leucine.
Molecular consequence: missense variant.
Genome position (GRCh38, 1-based): chr16:1,195,483, A>T. VCF-style: chr16-1195483-A-T. GRCh37 (hg19) VCF-style: chr16-1245483-A-T.
Other names: c.463A>T, p.Met155Leu (NM_001005407.2); short protein forms M155L.
Identifiers: ClinVar variation 460121 (VCV000460121.8), dbSNP rs1045818263, ClinGen allele CA276636294.